The following is an entry in ClinVar:

ClinVar aggregate classification (germline): Uncertain significance. Review status: criteria provided, multiple submitters, no conflicts (2 of 4 stars). 2 submissions from 2 submitters: Uncertain significance (2). Last evaluated 2026-07-13.

Conditions:
Inborn genetic diseases. Identifiers: MedGen C0950123, MeSH D030342.

Allele frequency attached by ClinVar (database versions not stated): TOPMed below 0.00001; gnomAD exomes 0.00001.
gnomAD v4.1: 12 of 1,614,082 alleles (0.00074%); highest among the groups gnomAD compares: Non-Finnish European, 0.001%; no homozygotes.

Submissions (2):

Ambry Genetics
Classification: Uncertain significance for Inborn genetic diseases. Last evaluated: 2026-07-13. Review status: criteria provided, single submitter. Criteria: Ambry Variant Classification Scheme 2023. Collection method: clinical testing. Allele origin: germline.
Comment: The p.L1948R variant (also known as c.5843T>G), located in coding exon 22 of the FANCM gene, results from a T to G substitution at nucleotide position 5843. The leucine at codon 1948 is replaced by arginine, an amino acid with dissimilar properties. This amino acid position is conserved. In addition, this alteration is predicted to be deleterious by in silico analysis. Based on the available evidence, the clinical significance of this variant remains unclear.

GeneDx
Classification: Uncertain significance. Last evaluated: 2022-10-27. Review status: criteria provided, single submitter. Criteria: GeneDx Variant Classification Process June 2021. Collection method: clinical testing. Allele origin: germline. Affected: yes.
Comment: Not observed at significant frequency in large population cohorts (gnomAD); In silico analysis supports that this missense variant has a deleterious effect on protein structure/function; Has not been previously published as pathogenic or benign to our knowledge

NM_020937.4(FANCM):c.5843T>G (p.Leu1948Arg)

Gene: FANCM (FA complementation group M; plus strand). Cytogenetic location: 14q21.2.
Variant type: single nucleotide variant.
Coding change: c.5843T>G on transcript NM_020937.4 (MANE Select); coding-DNA position 5843, T replaced by G.
Protein change: p.Leu1948Arg; replaces leucine 1948 with arginine.
Molecular consequence: missense variant.
Genome position (GRCh38, 1-based): chr14:45,198,770, T>G. VCF-style: chr14-45198770-T-G. GRCh37 (hg19) VCF-style: chr14-45667973-T-G.
Other names: c.5765T>G, p.Leu1922Arg (NM_001308133.2); short protein forms L1922R, L1948R.
Identifiers: ClinVar variation 2500533 (VCV002500533.2), dbSNP rs1890209653, ClinGen allele CA389587026.